The following is an entry in ClinVar:

ClinVar aggregate classification (germline): Uncertain significance. Review status: criteria provided, multiple submitters, no conflicts (2 of 4 stars). 2 submissions from 2 submitters: Uncertain significance (2). Last evaluated 2022-10-11.

Conditions:
Landau-Kleffner syndrome (FESD). Also called: EPILEPSY, FOCAL, WITH SPEECH DISORDER AND WITH OR WITHOUT MENTAL RETARDATION; APHASIA, ACQUIRED, WITH EPILEPSY. Identifiers: Orphanet 1945, Orphanet 725, Orphanet 98818, MedGen C0282512, MONDO:0009509, OMIM 245570.

Submissions (2):

Blueprint Genetics
Classification: Uncertain significance. Last evaluated: 2022-10-11. Review status: criteria provided, single submitter. Criteria: ACMG Guidelines, 2015. Collection method: clinical testing. Allele origin: germline.

Labcorp Genetics (formerly Invitae), Labcorp
Classification: Uncertain significance for Landau-Kleffner syndrome. Last evaluated: 2022-04-29. Review status: criteria provided, single submitter. Criteria: Invitae Variant Classification Sherloc (09022015). Collection method: clinical testing. Allele origin: germline.
Comment: In summary, the available evidence is currently insufficient to determine the role of this variant in disease. Therefore, it has been classified as a Variant of Uncertain Significance. Advanced modeling of protein sequence and biophysical properties (such as structural, functional, and spatial information, amino acid conservation, physicochemical variation, residue mobility, and thermodynamic stability) performed at Invitae indicates that this missense variant is not expected to disrupt GRIN2A protein function. This variant has not been reported in the literature in individuals affected with GRIN2A-related conditions. This variant is not present in population databases (gnomAD no frequency). This sequence change replaces isoleucine, which is neutral and non-polar, with threonine, which is neutral and polar, at codon 931 of the GRIN2A protein (p.Ile931Thr).

NM_001134407.3(GRIN2A):c.2792T>C (p.Ile931Thr)

Gene: GRIN2A (glutamate ionotropic receptor NMDA type subunit 2A; minus strand). Cytogenetic location: 16p13.2.
Variant type: single nucleotide variant.
Coding change: c.2792T>C on transcript NM_001134407.3 (MANE Select); coding-DNA position 2792, T replaced by C.
Protein change: p.Ile931Thr; replaces isoleucine 931 with threonine.
Molecular consequence: missense variant.
Genome position (GRCh38, 1-based): chr16:9,764,752, A>G on the plus strand (T>C on the coding strand, the complement: GRIN2A is on the minus strand). VCF-style: chr16-9764752-A-G. GRCh37 (hg19) VCF-style: chr16-9858609-A-G.
Other names: c.2792T>C, p.Ile931Thr (NM_000833.5, NM_001134408.2); short protein forms I931T.
Identifiers: ClinVar variation 2123188 (VCV002123188.5), dbSNP rs1215825826, ClinGen allele CA394709346.